The following is an entry in ClinVar:

ClinVar aggregate classification (germline): Conflicting classifications of pathogenicity. Review status: criteria provided, conflicting classifications (1 of 4 stars). 8 submissions from 8 submitters: Uncertain significance (7); Likely benign (1). Last evaluated 2026-01-11.

Conditions:
Connective tissue disorder. Also called: Connective tissue disease. Identifiers: MedGen C0009782, MONDO:0003900.
Marfan syndrome (MFS). Also called: Marfan syndrome, classic; FBN1-Related Marfan Syndrome; Marfan syndrome type 1; Marfan's syndrome; MARFAN SYNDROME, TYPE I. Identifiers: Orphanet 284963, Orphanet 558, MedGen C0024796, MONDO:0007947, OMIM 154700.
MASS syndrome (OCTD). Also called: OVERLAP CONNECTIVE TISSUE DISEASE; MASS PHENOTYPE. Identifiers: MedGen C1858556, MONDO:0011431, OMIM 604308.
Weill-Marchesani syndrome 2, dominant. Also called: Weill-Marchesani Syndrome, Autosomal Dominant; FBN1-Related Weill-Marchesani Syndrome. Identifiers: Orphanet 2084, MedGen C1869115, MONDO:0012013, OMIM 608328.
Acromicric dysplasia (ACMICD). Also called: Acromicric skeletal dysplasia. Identifiers: Orphanet 969, MedGen C0265287, MONDO:0007055, OMIM 102370.
Ectopia lentis 1, isolated, autosomal dominant (ECTOL1). Identifiers: Orphanet 1885, MedGen C3541518, MONDO:0007514, OMIM 129600.
Stiff skin syndrome (SSKS). Identifiers: Orphanet 2833, MedGen C1861456, MONDO:0008492, OMIM 184900.
Geleophysic dysplasia 2 (GPHYSD2). Identifiers: Orphanet 2623, MedGen C3280054, MONDO:0013612, OMIM 614185.
Progeroid and marfanoid aspect-lipodystrophy syndrome. Also called: MARFANOID-PROGEROID SYNDROME; MARFAN-PROGEROID-LIPODYSTROPHY SYNDROME; Marfan lipodystrophy syndrome; MARFANOID-PROGEROID-LIPODYSTROPHY SYNDROME. Identifiers: Orphanet 300382, MedGen C4310796, MONDO:0014831, OMIM 616914.
Familial thoracic aortic aneurysm and aortic dissection (TAAD). Also called: Thoracic aortic aneurysms and dissections. Identifiers: Orphanet 91387, MedGen C4707243, MONDO:0019625.

Allele frequency attached by ClinVar (database versions not stated): ExAC 0.00001; gnomAD 0.00001; gnomAD exomes 0.00001 and below 0.00001; TOPMed 0.00001.
gnomAD v4.1: 12 of 1,613,972 alleles (0.00074%); highest among the groups gnomAD compares: Non-Finnish European, 0.00017%; no homozygotes.

Submissions (8):

Labcorp Genetics (formerly Invitae), Labcorp
Classification: Likely benign for Marfan syndrome; Familial thoracic aortic aneurysm and aortic dissection. Last evaluated: 2026-01-11. Review status: criteria provided, single submitter. Criteria: Invitae Variant Classification Sherloc (09022015). Collection method: clinical testing. Allele origin: germline.

Color Diagnostics, LLC DBA Color Health
Classification: Uncertain significance for Familial thoracic aortic aneurysm and aortic dissection. Last evaluated: 2025-11-20. Review status: criteria provided, single submitter. Criteria: ACMG Guidelines, 2015. Collection method: clinical testing. Allele origin: germline.
Comment: This missense variant replaces isoleucine with valine at codon 1498 of the FBN1 protein. Computational prediction suggests that this variant may not impact protein structure and function. To our knowledge, functional studies have not been reported for this variant. This variant has not been reported in individuals affected with FBN1-related disorders in the literature. This variant has been identified in 12/1613972 chromosomes in the general population by the Genome Aggregation Database (gnomAD). The available evidence is insufficient to determine the role of this variant in disease conclusively. Therefore, this variant is classified as a Variant of Uncertain Significance.

Ambry Genetics
Classification: Uncertain significance for Familial thoracic aortic aneurysm and aortic dissection. Last evaluated: 2024-07-17. Review status: criteria provided, single submitter. Criteria: Ambry Variant Classification Scheme 2023. Collection method: clinical testing. Allele origin: germline.
Comment: The p.I1498V variant (also known as c.4492A>G), located in coding exon 36 of the FBN1 gene, results from an A to G substitution at nucleotide position 4492. The isoleucine at codon 1498 is replaced by valine, an amino acid with highly similar properties. This amino acid position is well conserved in available vertebrate species. In addition, the in silico prediction for this alteration is inconclusive. Based on the available evidence, the clinical significance of this variant remains unclear.

All of Us Research Program, National Institutes of Health
Classification: Uncertain significance for Marfan syndrome. Last evaluated: 2023-12-01. Review status: criteria provided, single submitter. Criteria: ACMG Guidelines, 2015. Collection method: clinical testing. Allele origin: germline. Inheritance: Autosomal dominant inheritance. Observed: 7 variant alleles, 7 heterozygotes.
Comment: This missense variant replaces isoleucine with valine at codon 1498 of the FBN1 protein. Computational prediction suggests that this variant may not impact protein structure and function (internally defined REVEL score threshold <= 0.5, PMID: 27666373). To our knowledge, functional studies have not been performed for this variant. This variant has not been reported in individuals affected with cardiovascular disorders in the literature. This variant has been identified in 2/282494 chromosomes in the general population by the Genome Aggregation Database (gnomAD). The available evidence is insufficient to determine the role of this variant in disease conclusively. Therefore, this variant is classified as a Variant of Uncertain Significance.

This study involves interpretation of variants in research participants for the purpose of population health screening. Participant phenotype was not available at the time of variant classification. Additional details can be found in publication PMID: 35346344, PMCID: PMC8962531

GeneDx
Classification: Uncertain significance. Last evaluated: 2023-03-23. Review status: criteria provided, single submitter. Criteria: GeneDx Variant Classification Process June 2021. Collection method: clinical testing. Allele origin: germline. Affected: yes.
Comment: Not observed at significant frequency in large population cohorts (gnomAD); Does not affect a cysteine residue within a calcium-binding EGF-like domain or a TGF-binding protein domain of the FBN1 gene; cysteine substitutions in the calcium-binding EGF-like domains represent the majority of pathogenic missense changes associated with FBN1-related disorders (Collod-Beroud et al., 2003); In silico analysis supports that this missense variant does not alter protein structure/function; Has not been previously published as pathogenic or benign to our knowledge

Fulgent Genetics
Classification: Uncertain significance for Acromicric dysplasia; Ectopia lentis 1, isolated, autosomal dominant; Marfan syndrome; Stiff skin syndrome; MASS syndrome; Weill-Marchesani syndrome 2, dominant; Geleophysic dysplasia 2; Progeroid and marfanoid aspect-lipodystrophy syndrome. Last evaluated: 2021-09-30. Review status: criteria provided, single submitter. Criteria: ACMG Guidelines, 2015. Collection method: clinical testing. Allele origin: unknown.

Department of Pathology and Laboratory Medicine, Sinai Health System
Classification: Uncertain significance for Acromicric dysplasia; Ectopia lentis 1, isolated, autosomal dominant; Marfan syndrome; Stiff skin syndrome; MASS syndrome; Weill-Marchesani syndrome 2, dominant; Geleophysic dysplasia 2; Progeroid and marfanoid aspect-lipodystrophy syndrome. Last evaluated: 2021-07-30. Review status: criteria provided, single submitter. Criteria: ACMG Guidelines, 2015. Collection method: research. Allele origin: germline.

Center for Human Genetics, Inc
Classification: Uncertain significance for Connective tissue disorder. Last evaluated: 2016-11-01. Review status: criteria provided, single submitter. Criteria: ACMG Guidelines, 2015. Collection method: clinical testing. Allele origin: germline. Affected: yes.

NM_000138.5(FBN1):c.4492A>G (p.Ile1498Val)

Gene: FBN1 (fibrillin 1; minus strand). Cytogenetic location: 15q21.1.
Variant type: single nucleotide variant.
Coding change: c.4492A>G on transcript NM_000138.5 (MANE Select); coding-DNA position 4492, A replaced by G.
Protein change: p.Ile1498Val; replaces isoleucine 1498 with valine.
Molecular consequence: missense variant.
Genome position (GRCh38, 1-based): chr15:48,468,502, T>C on the plus strand (A>G on the coding strand, the complement: FBN1 is on the minus strand). VCF-style: chr15-48468502-T-C. GRCh37 (hg19) VCF-style: chr15-48760699-T-C.
Other names: p.I1498V:ATC>GTC; short protein forms I1498V.
Identifiers: ClinVar variation 200047 (VCV000200047.19), dbSNP rs761187818, ClinGen allele CA015134.
Genomic context (GRCh38, chr15:48,468,502, plus strand): 5'-CAAAATCAGGTGGGCAGTCACAGATATAGCTGCCTGGAGTGTTGACACAGTTCCCACTGA[T>C]GCACGTGGTTGGATCCAGGCATTCATTCACATCTAAAACCGAACAGTGAGTAGTGGAGTT-3'
Protein context (NP_000129.3, residues 1488-1508): VNECLDPTTC[Ile1498Val]SGNCVNTPGS